The following is an entry in ClinVar:

ClinVar aggregate classification (germline): Uncertain significance. Review status: criteria provided, multiple submitters, no conflicts (2 of 4 stars). 3 submissions from 3 submitters: Uncertain significance (3). Last evaluated 2023-05-08.

Allele frequency attached by ClinVar (database versions not stated): gnomAD 0.00003; TOPMed 0.00003; ExAC 0.00004; gnomAD exomes 0.00005.
gnomAD v4.1: 77 of 1,606,940 alleles (0.0048%); highest among the groups gnomAD compares: East Asian, 0.045%; no homozygotes.

Submissions (3):

Labcorp Genetics (formerly Invitae), Labcorp
Classification: Uncertain significance. Last evaluated: 2023-05-08. Review status: criteria provided, single submitter. Criteria: Invitae Variant Classification Sherloc (09022015). Collection method: clinical testing. Allele origin: germline.
Comment: This variant has not been reported in the literature in individuals affected with ESPN-related conditions. In summary, the available evidence is currently insufficient to determine the role of this variant in disease. Therefore, it has been classified as a Variant of Uncertain Significance. An algorithm developed to predict the effect of missense changes on protein structure and function (PolyPhen-2) suggests that this variant is likely to be disruptive. ClinVar contains an entry for this variant (Variation ID: 1306893). This variant is present in population databases (rs754878916, gnomAD 0.05%). This sequence change replaces threonine, which is neutral and polar, with methionine, which is neutral and non-polar, at codon 742 of the ESPN protein (p.Thr742Met).

Blueprint Genetics
Classification: Uncertain significance. Last evaluated: 2022-11-23. Review status: criteria provided, single submitter. Criteria: ACMG Guidelines, 2015. Collection method: clinical testing. Allele origin: germline.

GeneDx
Classification: Uncertain significance. Last evaluated: 2019-03-12. Review status: criteria provided, single submitter. Criteria: GeneDx Variant Classification Process June 2021. Collection method: clinical testing. Allele origin: germline. Affected: yes.
Comment: In silico analysis, which includes protein predictors and evolutionary conservation, supports a deleterious effect; Has not been previously published as pathogenic or benign to our knowledge

NM_031475.3(ESPN):c.2225C>T (p.Thr742Met)

Gene: ESPN (espin; plus strand). Cytogenetic location: 1p36.31.
Variant type: single nucleotide variant.
Coding change: c.2225C>T on transcript NM_031475.3 (MANE Select); coding-DNA position 2225, C replaced by T.
Protein change: p.Thr742Met; replaces threonine 742 with methionine.
Molecular consequence: missense variant.
Genome position (GRCh38, 1-based): chr1:6,451,996, C>T. VCF-style: chr1-6451996-C-T. GRCh37 (hg19) VCF-style: chr1-6512056-C-T.
Other names: c.2135C>T, p.Thr712Met (NM_001367473.1); c.2162C>T, p.Thr721Met (NM_001367474.1); short protein forms T712M, T721M, T742M.
Identifiers: ClinVar variation 1306893 (VCV001306893.7), dbSNP rs754878916, ClinGen allele CA560426.
Genomic context (GRCh38, chr1:6,451,996, plus strand): 5'-CCGTGCCGCCCACTACTCCTGCGCCGGGAGTGCAGCTGGACGTGGAGGCTCTCATCCCCA[C>T]GCACGATGAGCAGGGCCGGCCCATCCCCGAGTGGAAGCGCCAGGTGATGGTGCGCAAGAT-3'
Protein context (NP_113663.2, residues 732-752): VQLDVEALIP[Thr742Met]HDEQGRPIPE